The following is an entry in ClinVar:

ClinVar aggregate classification (germline): Uncertain significance. Review status: criteria provided, multiple submitters, no conflicts (2 of 4 stars). 2 submissions from 2 submitters: Uncertain significance (2). Last evaluated 2026-08-29.

Conditions:
Long QT syndrome (LQTS). Identifiers: MedGen C0023976, MeSH D008133, MONDO:0002442. Disease mechanism: loss of function. Inheritance: Various modes of inheritance.
Cardiovascular phenotype. Identifiers: MedGen CN230736.

Submissions (2):

Ambry Genetics
Classification: Uncertain significance for Cardiovascular phenotype. Last evaluated: 2026-08-29. Review status: criteria provided, single submitter. Criteria: Ambry Variant Classification Scheme 2023. Collection method: clinical testing. Allele origin: germline.
Comment: The p.C117S variant (also known as c.350G>C), located in coding exon 2 of the CACNA1C gene, results from a G to C substitution at nucleotide position 350. The cysteine at codon 117 is replaced by serine, an amino acid with dissimilar properties. This amino acid position is conserved. In addition, this alteration is predicted to be deleterious by in silico analysis. Based on the available evidence, the clinical significance of this variant remains unclear.

Labcorp Genetics (formerly Invitae), Labcorp
Classification: Uncertain significance for Long QT syndrome. Last evaluated: 2025-06-30. Review status: criteria provided, single submitter. Criteria: Invitae Variant Classification Sherloc (09022015). Collection method: clinical testing. Allele origin: germline.
Comment: This sequence change replaces cysteine, which is neutral and slightly polar, with serine, which is neutral and polar, at codon 117 of the CACNA1C protein (p.Cys117Ser). This variant is not present in population databases (gnomAD no frequency). This variant has not been reported in the literature in individuals affected with CACNA1C-related conditions. Invitae Evidence Modeling of protein sequence and biophysical properties (such as structural, functional, and spatial information, amino acid conservation, physicochemical variation, residue mobility, and thermodynamic stability) indicates that this missense variant is expected to disrupt CACNA1C protein function with a positive predictive value of 80%. In summary, the available evidence is currently insufficient to determine the role of this variant in disease. Therefore, it has been classified as a Variant of Uncertain Significance.

NM_000719.7(CACNA1C):c.350G>C (p.Cys117Ser)

Gene: CACNA1C (calcium voltage-gated channel subunit alpha1 C; plus strand). Cytogenetic location: 12p13.33.
Variant type: single nucleotide variant.
Coding change: c.350G>C on transcript NM_000719.7 (MANE Select); coding-DNA position 350, G replaced by C.
Protein change: p.Cys117Ser; replaces cysteine 117 with serine.
Molecular consequence: missense variant.
Genome position (GRCh38, 1-based): chr12:2,115,524, G>C. VCF-style: chr12-2115524-G-C. GRCh37 (hg19) VCF-style: chr12-2224690-G-C.
Other names: c.350G>C, p.Cys117Ser (NM_001129827.2, NM_001129829.2, NM_001129830.3 and 19 more transcripts); short protein forms C117S.
Identifiers: ClinVar variation 4707929 (VCV004707929.2).